The following is an entry in ClinVar:

ClinVar aggregate classification (germline): Uncertain significance (1 of 4 stars; one submission).

Conditions:
Severe combined immunodeficiency due to DCLRE1C deficiency (RS-SCID). Also called: SCID, AUTOSOMAL RECESSIVE, T CELL-NEGATIVE, B CELL-NEGATIVE, NK CELL-POSITIVE, WITH SENSITIVITY TO IONIZING RADIATION. Identifiers: Orphanet 275, MedGen C1865371, MONDO:0011225, OMIM 602450.

Submission:

Labcorp Genetics (formerly Invitae), Labcorp
Classification: Uncertain significance for Athabaskan severe combined immunodeficiency. Last evaluated: 2022-04-15. Review status: criteria provided, single submitter. Criteria: Invitae Variant Classification Sherloc (09022015). Collection method: clinical testing. Allele origin: germline.
Comment: This sequence change replaces methionine, which is neutral and non-polar, with isoleucine, which is neutral and non-polar, at codon 121 of the DCLRE1C protein (p.Met121Ile). In summary, the available evidence is currently insufficient to determine the role of this variant in disease. Therefore, it has been classified as a Variant of Uncertain Significance. Algorithms developed to predict the effect of sequence changes on RNA splicing suggest that this variant may create or strengthen a splice site. Algorithms developed to predict the effect of missense changes on protein structure and function are either unavailable or do not agree on the potential impact of this missense change (SIFT: "Tolerated"; PolyPhen-2: "Possibly Damaging"; Align-GVGD: "Class C0"). ClinVar contains an entry for this variant (Variation ID: 1027120). This variant has not been reported in the literature in individuals affected with DCLRE1C-related conditions. This variant is not present in population databases (gnomAD no frequency).

NM_001033855.3(DCLRE1C):c.363G>T (p.Met121Ile)

Gene: DCLRE1C (DNA cross-link repair 1C; minus strand). Cytogenetic location: 10p13.
Variant type: single nucleotide variant.
Coding change: c.363G>T on transcript NM_001033855.3 (MANE Select); coding-DNA position 363, G replaced by T.
Protein change: p.Met121Ile; replaces methionine 121 with isoleucine.
Molecular consequence: missense variant. On other transcripts: non-coding transcript variant (4).
Genome position (GRCh38, 1-based): chr10:14,935,564, C>A on the plus strand (G>T on the coding strand, the complement: DCLRE1C is on the minus strand). VCF-style: chr10-14935564-C-A. GRCh37 (hg19) VCF-style: chr10-14977563-C-A.
Other names: c.3G>T, p.Met1Ile (NM_001033857.3, NM_001033858.3, NM_001289077.2 and 2 more transcripts); c.18G>T, p.Arg6Ser (NM_001289076.2, NM_001289078.2, NM_001350966.2 and 1 more transcripts); c.363G>T, p.Met121Ile (NM_001350965.2); short protein forms M121I, M1I, R6S.
Identifiers: ClinVar variation 1027120 (VCV001027120.8), dbSNP rs1839771032, ClinGen allele CA376060349.